The following is an entry in ClinVar:

NM_080632.3(UPF3B):c.1405A>G (p.Lys469Glu)

Gene: UPF3B (UPF3B regulator of nonsense mediated mRNA decay; minus strand). Cytogenetic location: Xq24.
Variant type: single nucleotide variant.
Coding change: c.1405A>G on transcript NM_080632.3 (MANE Select); coding-DNA position 1405, A replaced by G.
Protein change: p.Lys469Glu; replaces lysine 469 with glutamic acid.
Molecular consequence: missense variant.
Genome position (GRCh38, 1-based): chrX:119,834,925, T>C on the plus strand (A>G on the coding strand, the complement: UPF3B is on the minus strand). VCF-style: chrX-119834925-T-C. GRCh37 (hg19) VCF-style: chrX-118968888-T-C.
Other names: c.1366A>G, p.Lys456Glu (NM_023010.4); short protein forms K456E, K469E.
Identifiers: ClinVar variation 1218420 (VCV001218420.5), dbSNP rs2147779286, ClinGen allele CA414181400.

ClinVar aggregate classification (germline): Uncertain significance (1 of 4 stars; one submission).

Submission:

GeneDx
Classification: Uncertain significance. Last evaluated: 2023-08-15. Review status: criteria provided, single submitter. Criteria: GeneDx Variant Classification Process June 2021. Collection method: clinical testing. Allele origin: germline. Affected: yes.
Comment: Not observed in large population cohorts (gnomAD); In silico analysis, which includes protein predictors and evolutionary conservation, supports that this variant does not alter protein structure/function; Has not been previously published as pathogenic or benign to our knowledge